The following is an entry in ClinVar:

NM_000440.3(PDE6A):c.731C>T (p.Ser244Phe)

Gene: PDE6A (phosphodiesterase 6A; minus strand). Cytogenetic location: 5q32.
Variant type: single nucleotide variant.
Coding change: c.731C>T on transcript NM_000440.3 (MANE Select); coding-DNA position 731, C replaced by T.
Protein change: p.Ser244Phe; replaces serine 244 with phenylalanine.
Molecular consequence: missense variant.
Genome position (GRCh38, 1-based): chr5:149,931,155, G>A on the plus strand (C>T on the coding strand, the complement: PDE6A is on the minus strand). VCF-style: chr5-149931155-G-A. GRCh37 (hg19) VCF-style: chr5-149310718-G-A.
Other names: short protein forms S244F.
Identifiers: ClinVar variation 1383304 (VCV001383304.6), dbSNP rs2113656491, ClinGen allele CA361696646.
Genomic context (GRCh38, chr5:149,931,155, plus strand): 5'-TACAGGGCTTTGTGGAACTGTCGTTCGATGTCCGTAAGTTCTTCAAAGACTTTGCTCCCA[G>A]ACCACAGCAGTATCTGAAAAAACACAAAAACATATTCATAGGTTTTGAGGTGCAAAGTAG-3'
Protein context (NP_000431.2, residues 234-254): ETRRGQILLW[Ser244Phe]GSKVFEELTD

ClinVar aggregate classification (germline): Uncertain significance (1 of 4 stars; one submission).

Submission:

Labcorp Genetics (formerly Invitae), Labcorp
Classification: Uncertain significance. Last evaluated: 2025-01-13. Review status: criteria provided, single submitter. Criteria: Invitae Variant Classification Sherloc (09022015). Collection method: clinical testing. Allele origin: germline.
Comment: This sequence change replaces serine, which is neutral and polar, with phenylalanine, which is neutral and non-polar, at codon 244 of the PDE6A protein (p.Ser244Phe). This variant is not present in population databases (gnomAD no frequency). This variant has not been reported in the literature in individuals affected with PDE6A-related conditions. ClinVar contains an entry for this variant (Variation ID: 1383304). Invitae Evidence Modeling of protein sequence and biophysical properties (such as structural, functional, and spatial information, amino acid conservation, physicochemical variation, residue mobility, and thermodynamic stability) has been performed for this missense variant. However, the output from this modeling did not meet the statistical confidence thresholds required to predict the impact of this variant on PDE6A protein function. In summary, the available evidence is currently insufficient to determine the role of this variant in disease. Therefore, it has been classified as a Variant of Uncertain Significance.